The following is an entry in ClinVar:

NM_020806.5(GPHN):c.826C>T (p.Arg276Trp)

Gene: GPHN (gephyrin; plus strand). Cytogenetic location: 14q23.3.
Variant type: single nucleotide variant.
Coding change: c.826C>T on transcript NM_020806.5 (MANE Select); coding-DNA position 826, C replaced by T.
Protein change: p.Arg276Trp; replaces arginine 276 with tryptophan.
Molecular consequence: missense variant. On other transcripts: intron variant (7).
Genome position (GRCh38, 1-based): chr14:66,924,290, C>T. VCF-style: chr14-66924290-C-T. GRCh37 (hg19) VCF-style: chr14-67391007-C-T.
Other names: c.768+1352C>T (NM_001377514.1, NM_001377519.1); c.729+1352C>T (NM_001377515.1, NM_001377516.1, NM_001377518.1 and 2 more transcripts); short protein forms R276W.
Identifiers: ClinVar variation 578563 (VCV000578563.11), dbSNP rs777009433, ClinGen allele CA7233835.

ClinVar aggregate classification (germline): Uncertain significance. Review status: criteria provided, multiple submitters, no conflicts (2 of 4 stars). 3 submissions from 3 submitters: Uncertain significance (3). Last evaluated 2025-02-11.

Conditions:
Inborn genetic diseases. Identifiers: MedGen C0950123, MeSH D030342.
Hyperekplexia 1 (STHE). Also called: KOK DISEASE; HYPEREKPLEXIA 1, AUTOSOMAL DOMINANT; HYPEREKPLEXIA 1, AUTOSOMAL RECESSIVE; STARTLE DISEASE, FAMILIAL; STIFF-BABY SYNDROME; STIFF-MAN SYNDROME, CONGENITAL. Identifiers: Orphanet 3197, MedGen C4551954, MONDO:0007868, OMIM 149400.
Sulfite oxidase deficiency due to molybdenum cofactor deficiency type C. Also called: Molybdenum cofactor deficiency, complementation group C; Molybdenum cofactor deficiency C. Identifiers: Orphanet 308400, Orphanet 833, MedGen C1854990, MONDO:0014212, OMIM 615501.

Allele frequency attached by ClinVar (database versions not stated): ExAC 0.00002; gnomAD exomes 0.00002; TOPMed 0.00003; gnomAD 0.00004.
gnomAD v4.1: 42 of 1,564,284 alleles (0.0027%); highest among the groups gnomAD compares: Admixed American, 0.0067%; no homozygotes.

Submissions (3):

Labcorp Genetics (formerly Invitae), Labcorp
Classification: Uncertain significance for Sulfite oxidase deficiency due to molybdenum cofactor deficiency type C. Last evaluated: 2025-02-11. Review status: criteria provided, single submitter. Criteria: Invitae Variant Classification Sherloc (09022015). Collection method: clinical testing. Allele origin: germline.
Comment: This sequence change replaces arginine, which is basic and polar, with tryptophan, which is neutral and slightly polar, at codon 276 of the GPHN protein (p.Arg276Trp). This variant is present in population databases (rs777009433, gnomAD 0.006%). This variant has not been reported in the literature in individuals affected with GPHN-related conditions. ClinVar contains an entry for this variant (Variation ID: 578563). An algorithm developed to predict the effect of missense changes on protein structure and function (PolyPhen-2) suggests that this variant is likely to be tolerated. In summary, the available evidence is currently insufficient to determine the role of this variant in disease. Therefore, it has been classified as a Variant of Uncertain Significance.

Ambry Genetics
Classification: Uncertain significance for Inborn genetic diseases. Last evaluated: 2024-10-01. Review status: criteria provided, single submitter. Criteria: Ambry Variant Classification Scheme 2023. Collection method: clinical testing. Allele origin: germline.

Fulgent Genetics
Classification: Uncertain significance for Hyperekplexia 1; Sulfite oxidase deficiency due to molybdenum cofactor deficiency type C. Last evaluated: 2021-09-13. Review status: criteria provided, single submitter. Criteria: ACMG Guidelines, 2015. Collection method: clinical testing. Allele origin: unknown.